The following is an entry in ClinVar:

NM_001270.4(CHD1):c.3491A>C (p.Asp1164Ala)

Gene: CHD1 (chromodomain helicase DNA binding protein 1; minus strand). Cytogenetic location: 5q15.
Variant type: single nucleotide variant.
Coding change: c.3491A>C on transcript NM_001270.4 (MANE Select); coding-DNA position 3491, A replaced by C.
Protein change: p.Asp1164Ala; replaces aspartic acid 1164 with alanine.
Molecular consequence: missense variant. On other transcripts: non-coding transcript variant (2).
Genome position (GRCh38, 1-based): chr5:98,873,673, T>G on the plus strand (A>C on the coding strand, the complement: CHD1 is on the minus strand). VCF-style: chr5-98873673-T-G. GRCh37 (hg19) VCF-style: chr5-98209377-T-G.
Other names: c.3491A>C, p.Asp1164Ala (NM_001364113.3, NM_001376194.2); short protein forms D1164A.
Identifiers: ClinVar variation 4293032 (VCV004293032.1).

ClinVar aggregate classification (germline): Uncertain significance (1 of 4 stars; one submission).

Conditions:
Pilarowski-Bjornsson syndrome. Also called: DEVELOPMENTAL DELAY AND SPEECH APRAXIA WITH OR WITHOUT SEIZURES. Identifiers: Orphanet 529965, MedGen C4540131, MONDO:0060568, OMIM 617682.

Submission:

3billion
Classification: Uncertain significance for Pilarowski-Bjornsson syndrome. Last evaluated: 2024-08-16. Review status: criteria provided, single submitter. Criteria: ACMG Guidelines, 2015. Collection method: clinical testing. Allele origin: germline. Affected: yes.
Comment: The variant is not observed in the gnomAD v4.0.0 dataset. Predicted Consequence/Location: Missense changes are a common disease-causing mechanism. In silico tool predictions suggest damaging effect of the variant on gene or gene product [REVEL: 0.78 (>=0.6, sensitivity 0.68 and specificity 0.92)]. Therefore, this variant is classified as VUS according to the recommendation of ACMG/AMP guideline.